The following is an entry in ClinVar:

ClinVar aggregate classification (germline): Likely pathogenic (1 of 4 stars; one submission).

Conditions:
Cryptosporidiosis-chronic cholangitis-liver disease syndrome. Also called: IL21R immunodeficiency; Immunodeficiency type 56. Identifiers: Orphanet 357329, MedGen C3554687, MONDO:0014082, OMIM 615207.

Submission:

Labcorp Genetics (formerly Invitae), Labcorp
Classification: Likely pathogenic for Cryptosporidiosis-chronic cholangitis-liver disease syndrome. Last evaluated: 2025-01-26. Review status: criteria provided, single submitter. Criteria: Invitae Variant Classification Sherloc (09022015). Collection method: clinical testing. Allele origin: germline.
Comment: This sequence change affects a donor splice site in intron 5 of the IL21R gene. It is expected to disrupt RNA splicing. Variants that disrupt the donor or acceptor splice site typically lead to a loss of protein function (PMID: 16199547), and loss-of-function variants in IL21R are known to be pathogenic (PMID: 23440042). This variant is not present in population databases (gnomAD no frequency). This variant has not been reported in the literature in individuals affected with IL21R-related conditions. Algorithms developed to predict the effect of sequence changes on RNA splicing suggest that this variant may disrupt the consensus splice site. In summary, the currently available evidence indicates that the variant is pathogenic, but additional data are needed to prove that conclusively. Therefore, this variant has been classified as Likely Pathogenic.

Literature cited by the submitters: PubMed 16199547; PubMed 23440042.

NM_181078.3(IL21R):c.507+1G>A

Gene: IL21R (interleukin 21 receptor; plus strand). Cytogenetic location: 16p12.1.
Variant type: single nucleotide variant.
Coding change: c.507+1G>A on transcript NM_181078.3 (MANE Select); the canonical splice donor site of the intron after coding-DNA position 507, G replaced by A.
Molecular consequence: splice donor variant.
Genome position (GRCh38, 1-based): chr16:27,443,117, G>A. VCF-style: chr16-27443117-G-A. GRCh37 (hg19) VCF-style: chr16-27454438-G-A.
Other names: c.573+1G>A (NM_181079.5); c.507+1G>A (NM_021798.4).
Identifiers: ClinVar variation 3693887 (VCV003693887.2).